The following is an entry in ClinVar:

NM_005633.4(SOS1):c.973C>T (p.Gln325Ter)

Gene: SOS1 (SOS Ras/Rac guanine nucleotide exchange factor 1; minus strand). Cytogenetic location: 2p22.1.
Variant type: single nucleotide variant.
Coding change: c.973C>T on transcript NM_005633.4 (MANE Select); coding-DNA position 973, C replaced by T.
Protein change: p.Gln325Ter; replaces glutamine 325 with a stop codon.
Molecular consequence: nonsense.
Genome position (GRCh38, 1-based): chr2:39,035,392, G>A on the plus strand (C>T on the coding strand, the complement: SOS1 is on the minus strand). VCF-style: chr2-39035392-G-A. GRCh37 (hg19) VCF-style: chr2-39262533-G-A.
Other names: c.952C>T, p.Gln318Ter (NM_001382394.1); c.973C>T, p.Gln325Ter (NM_001382395.1); short protein forms Q318*, Q325*.
Identifiers: ClinVar variation 3653642 (VCV003653642.2).
Genomic context (GRCh38, chr2:39,035,392, plus strand): 5'-TTTTTTTTTTAAGTTTACTTTTCAGACATTGTACATCTTCATTTAAAAATTACTATACCT[G>A]CAAATAAAGTGCTGCCCCAGGCTTTGATAACTGACTAAGGAAACGATCATGAAAACCAGG-3'

ClinVar aggregate classification (germline): Uncertain significance (1 of 4 stars; one submission).

Conditions:
RASopathy. Also called: rasopathies; Noonan spectrum disorder. Identifiers: Orphanet 536391, MedGen C5555857, MONDO:0021060.

Submission:

Labcorp Genetics (formerly Invitae), Labcorp
Classification: Uncertain significance for RASopathy. Last evaluated: 2024-05-23. Review status: criteria provided, single submitter. Criteria: Invitae Variant Classification Sherloc (09022015). Collection method: clinical testing. Allele origin: germline.
Comment: This sequence change creates a premature translational stop signal (p.Gln325*) in the SOS1 gene. It is expected to result in an absent or disrupted protein product. However, the current clinical and genetic evidence is not sufficient to establish whether loss-of-function variants in SOS1 cause disease. This variant is not present in population databases (gnomAD no frequency). This variant has not been reported in the literature in individuals affected with SOS1-related conditions. Algorithms developed to predict the effect of sequence changes on RNA splicing suggest that this variant may disrupt the consensus splice site. In summary, the available evidence is currently insufficient to determine the role of this variant in disease. Therefore, it has been classified as a Variant of Uncertain Significance.